The following is an entry in ClinVar:

NM_021102.4(SPINT2):c.277+3G>T

Gene: SPINT2 (serine peptidase inhibitor, Kunitz type 2; plus strand). Cytogenetic location: 19q13.2.
Variant type: single nucleotide variant.
Coding change: c.277+3G>T on transcript NM_021102.4 (MANE Select); 3 bases into the intron after coding-DNA position 277, G replaced by T.
Molecular consequence: intron variant.
Genome position (GRCh38, 1-based): chr19:38,283,800, G>T. VCF-style: chr19-38283800-G-T. GRCh37 (hg19) VCF-style: chr19-38774440-G-T.
Other names: c.107-4076G>T (NM_001166103.2).
Identifiers: ClinVar variation 2105198 (VCV002105198.4), dbSNP rs2513589483, ClinGen allele CA2580096915.

ClinVar aggregate classification (germline): Uncertain significance (1 of 4 stars; one submission).

Submission:

Labcorp Genetics (formerly Invitae), Labcorp
Classification: Uncertain significance. Last evaluated: 2024-02-24. Review status: criteria provided, single submitter. Criteria: Invitae Variant Classification Sherloc (09022015). Collection method: clinical testing. Allele origin: germline.
Comment: This sequence change falls in intron 2 of the SPINT2 gene. It does not directly change the encoded amino acid sequence of the SPINT2 protein. It affects a nucleotide within the consensus splice site. This variant is not present in population databases (gnomAD no frequency). This variant has not been reported in the literature in individuals affected with SPINT2-related conditions. ClinVar contains an entry for this variant (Variation ID: 2105198). Variants that disrupt the consensus splice site are a relatively common cause of aberrant splicing (PMID: 17576681, 9536098). Algorithms developed to predict the effect of sequence changes on RNA splicing suggest that this variant is not likely to affect RNA splicing. In summary, the available evidence is currently insufficient to determine the role of this variant in disease. Therefore, it has been classified as a Variant of Uncertain Significance.

Literature cited by the submitters: PubMed 17576681; PubMed 9536098.